The following is an entry in ClinVar:

NM_001377.3(DYNC2H1):c.3757C>A (p.Arg1253=)

Gene: DYNC2H1 (dynein cytoplasmic 2 heavy chain 1; plus strand). Cytogenetic location: 11q22.3.
Variant type: single nucleotide variant.
Coding change: c.3757C>A on transcript NM_001377.3 (MANE Select); coding-DNA position 3757, C replaced by A.
Protein change: p.Arg1253=; no amino-acid change (arginine 1253 retained).
Molecular consequence: synonymous variant.
Genome position (GRCh38, 1-based): chr11:103,156,400, C>A. VCF-style: chr11-103156400-C-A. GRCh37 (hg19) VCF-style: chr11-103027129-C-A.
Other names: c.3757C>A, p.Arg1253= (NM_001080463.2).
Identifiers: ClinVar variation 1902555 (VCV001902555.4), dbSNP rs375636006, ClinGen allele CA6253402.

ClinVar aggregate classification (germline): Uncertain significance. Review status: criteria provided, multiple submitters, no conflicts (2 of 4 stars). 2 submissions from 2 submitters: Uncertain significance (2). Last evaluated 2023-10-23.

Conditions:
Jeune thoracic dystrophy. Also called: Short-rib thoracic dysplasia; Jeune syndrome; Infantile thoracic dystrophy; Thoracic pelvic phalangeal dystrophy; Jeune's syndrome; Chondroectodermal dysplasia-like syndrome. Identifiers: Orphanet 474, MedGen C0265275, MONDO:0018770.

gnomAD v4.1: 8 of 1,612,544 alleles (0.0005%); highest among the groups gnomAD compares: Admixed American, 0.005%; no homozygotes.

Submissions (2):

Labcorp Genetics (formerly Invitae), Labcorp
Classification: Uncertain significance for Jeune thoracic dystrophy. Last evaluated: 2023-10-23. Review status: criteria provided, single submitter. Criteria: Invitae Variant Classification Sherloc (09022015). Collection method: clinical testing. Allele origin: germline.
Comment: This sequence change affects codon 1253 of the DYNC2H1 mRNA. It is a 'silent' change, meaning that it does not change the encoded amino acid sequence of the DYNC2H1 protein. This variant is present in population databases (rs375636006, gnomAD 0.006%). This variant has not been reported in the literature in individuals affected with DYNC2H1-related conditions. ClinVar contains an entry for this variant (Variation ID: 1902555). Algorithms developed to predict the effect of sequence changes on RNA splicing suggest that this variant may disrupt the consensus splice site. In summary, the available evidence is currently insufficient to determine the role of this variant in disease. Therefore, it has been classified as a Variant of Uncertain Significance.

Blueprint Genetics
Classification: Uncertain significance. Last evaluated: 2018-03-20. Review status: criteria provided, single submitter. Criteria: ACMG Guidelines, 2015. Collection method: clinical testing. Allele origin: germline.